The following is an entry in ClinVar:

NM_004006.3(DMD):c.1667A>T (p.Asp556Val)

Gene: DMD (dystrophin; minus strand). Cytogenetic location: Xp21.1.
Variant type: single nucleotide variant.
Coding change: c.1667A>T on transcript NM_004006.3 (MANE Select); coding-DNA position 1667, A replaced by T.
Protein change: p.Asp556Val; replaces aspartic acid 556 with valine.
Molecular consequence: missense variant.
Genome position (GRCh38, 1-based): chrX:32,573,782, T>A on the plus strand (A>T on the coding strand, the complement: DMD is on the minus strand). VCF-style: chrX-32573782-T-A. GRCh37 (hg19) VCF-style: chrX-32591899-T-A.
Other names: c.1643A>T, p.Asp548Val (NM_000109.4); c.1655A>T, p.Asp552Val (NM_004009.3); c.1298A>T, p.Asp433Val (NM_004010.3); short protein forms D433V, D548V, D556V, D552V.
Identifiers: ClinVar variation 2178346 (VCV002178346.3), dbSNP rs1341593577, ClinGen allele CA412673395.

ClinVar aggregate classification (germline): Uncertain significance (1 of 4 stars; one submission).

Conditions:
Duchenne muscular dystrophy (DMD). Also called: MUSCULAR DYSTROPHY, PSEUDOHYPERTROPHIC PROGRESSIVE, DUCHENNE TYPE; Duchenne Muscular Dystrophy (DMD). Identifiers: Orphanet 98896, MedGen C0013264, MONDO:0010679, OMIM 310200.

Allele frequency attached by ClinVar (database versions not stated): gnomAD exomes below 0.00001; TOPMed 0.00001.
gnomAD v4.1: 1 of 1,211,937 alleles (0.000083%); highest among the groups gnomAD compares: Non-Finnish European, 0.00011%; no homozygotes.

Submission:

Labcorp Genetics (formerly Invitae), Labcorp
Classification: Uncertain significance for Duchenne muscular dystrophy. Last evaluated: 2024-11-18. Review status: criteria provided, single submitter. Criteria: Invitae Variant Classification Sherloc (09022015). Collection method: clinical testing. Allele origin: germline.
Comment: This sequence change replaces aspartic acid, which is acidic and polar, with valine, which is neutral and non-polar, at codon 556 of the DMD protein (p.Asp556Val). This variant is not present in population databases (gnomAD no frequency). This variant has not been reported in the literature in individuals affected with DMD-related conditions. ClinVar contains an entry for this variant (Variation ID: 2178346). Invitae Evidence Modeling of protein sequence and biophysical properties (such as structural, functional, and spatial information, amino acid conservation, physicochemical variation, residue mobility, and thermodynamic stability) has been performed for this missense variant. However, the output from this modeling did not meet the statistical confidence thresholds required to predict the impact of this variant on DMD protein function. In summary, the available evidence is currently insufficient to determine the role of this variant in disease. Therefore, it has been classified as a Variant of Uncertain Significance.